The following is an entry in ClinVar:

NM_000601.6(HGF):c.7G>C (p.Val3Leu)

Gene: HGF (hepatocyte growth factor; minus strand). Cytogenetic location: 7q21.11.
Variant type: single nucleotide variant.
Coding change: c.7G>C on transcript NM_000601.6 (MANE Select); coding-DNA position 7, G replaced by C.
Protein change: p.Val3Leu; replaces valine 3 with leucine.
Molecular consequence: missense variant.
Genome position (GRCh38, 1-based): chr7:81,769,965, C>G on the plus strand (G>C on the coding strand, the complement: HGF is on the minus strand). VCF-style: chr7-81769965-C-G. GRCh37 (hg19) VCF-style: chr7-81399281-C-G.
Other names: c.7G>C, p.Val3Leu (NM_001010931.3, NM_001010932.3, NM_001010933.3 and 1 more transcripts); short protein forms V3L.
Identifiers: ClinVar variation 2202990 (VCV002202990.3), dbSNP rs948919684, ClinGen allele CA161104681.
Genomic context (GRCh38, chr7:81,769,965, plus strand): 5'-GGAGCAGGAGGAGATGCAGGAGGACATGCTGCAGCAGCAGGGCTGGCAGGAGTTTGGTCA[C>G]CCACATGGTGCTGCTGGACGGGCTGGCGGATCCCTCTGGAGGAGATGCCTGGGTGAAAGA-3'
Protein context (NP_000592.3, residues 1-13): MW[Val3Leu]TKLLPALLLQ

ClinVar aggregate classification (germline): Uncertain significance (1 of 4 stars; one submission).

Allele frequency attached by ClinVar (database versions not stated): gnomAD exomes 0.00002; TOPMed 0.00002.

Submission:

Labcorp Genetics (formerly Invitae), Labcorp
Classification: Uncertain significance. Last evaluated: 2025-07-21. Review status: criteria provided, single submitter. Criteria: Invitae Variant Classification Sherloc (09022015). Collection method: clinical testing. Allele origin: germline.
Comment: This sequence change replaces valine, which is neutral and non-polar, with leucine, which is neutral and non-polar, at codon 3 of the HGF protein (p.Val3Leu). This variant is present in population databases (no rsID available, gnomAD 0.04%). This variant has not been reported in the literature in individuals affected with HGF-related conditions. ClinVar contains an entry for this variant (Variation ID: 2202990). An algorithm developed to predict the effect of missense changes on protein structure and function (PolyPhen-2) suggests that this variant is likely to be tolerated. In summary, the available evidence is currently insufficient to determine the role of this variant in disease. Therefore, it has been classified as a Variant of Uncertain Significance.